The following is an entry in ClinVar:

ClinVar aggregate classification (germline): Uncertain significance (1 of 4 stars; one submission).

gnomAD v4.1: 2 of 1,614,022 alleles (0.00012%); highest among the groups gnomAD compares: Non-Finnish European, 0.00017%; no homozygotes.

Submission:

GeneDx
Classification: Uncertain significance. Last evaluated: 2024-09-11. Review status: criteria provided, single submitter. Criteria: GeneDx Variant Classification Process June 2021. Collection method: clinical testing. Allele origin: germline. Affected: yes.
Comment: Not observed at significant frequency in large population cohorts (gnomAD); In silico analysis supports that this missense variant has a deleterious effect on protein structure/function; Has not been previously published as pathogenic or benign to our knowledge

NM_001378964.1(CDON):c.875C>A (p.Ala292Glu)

Gene: CDON (cell adhesion associated, oncogene regulated; minus strand). Cytogenetic location: 11q24.2.
Variant type: single nucleotide variant.
Coding change: c.875C>A on transcript NM_001378964.1 (MANE Select); coding-DNA position 875, C replaced by A.
Protein change: p.Ala292Glu; replaces alanine 292 with glutamic acid.
Molecular consequence: missense variant.
Genome position (GRCh38, 1-based): chr11:126,017,141, G>T on the plus strand (C>A on the coding strand, the complement: CDON is on the minus strand). VCF-style: chr11-126017141-G-T. GRCh37 (hg19) VCF-style: chr11-125887036-G-T.
Other names: c.875C>A, p.Ala292Glu (NM_001243597.3, NM_016952.6); short protein forms A292E.
Identifiers: ClinVar variation 3770098 (VCV003770098.1).